The following is an entry in ClinVar:

NM_000660.7(TGFB1):c.336A>G (p.Leu112=)

Genes: TGFB1 (transforming growth factor beta 1; minus strand), LOC130064510 (ATAC-STARR-seq lymphoblastoid silent region 10661; plus strand). Cytogenetic location: 19q13.2.
Variant type: single nucleotide variant.
Coding change: c.336A>G on transcript NM_000660.7 (MANE Select); coding-DNA position 336, A replaced by G.
Protein change: p.Leu112=; no amino-acid change (leucine 112 retained).
Molecular consequence: synonymous variant.
Genome position (GRCh38, 1-based): chr19:41,352,709, T>C on the plus strand (A>G on the coding strand, the complement: TGFB1 is on the minus strand). VCF-style: chr19-41352709-T-C. GRCh37 (hg19) VCF-style: chr19-41858614-T-C.
Identifiers: ClinVar variation 4084825 (VCV004084825.8).
Genomic context (GRCh38, chr19:41,352,709, plus strand): 5'-TGGGGGCCCCCCTCCCGGCTCCCCTGCCCCTCCGAGCTCACCGTTGTGGGTTTCCACCAT[T>C]AGCACGCGGGTGACCTCCTTGGCGTAGTAGTCGGCCTCAGGCTCGGGCTCCGGTTCTGCA-3'
Protein context (NP_000651.3, residues 102-122): DYYAKEVTRV[Leu112=]MVETHNEIYD

ClinVar aggregate classification (germline): Likely benign (1 of 4 stars; one submission).

Submission:

CeGaT Center for Human Genetics Tuebingen
Classification: Likely benign. Last evaluated: 2025-07-01. Review status: criteria provided, single submitter. Criteria: CeGaT Center For Human Genetics Tuebingen Variant Classification Criteria Version 2. Collection method: clinical testing. Allele origin: germline. Affected: yes. Observed: 1 variant allele.
Comment: TGFB1: BP4, BP7